The following is an entry in ClinVar:

ClinVar aggregate classification (germline): Uncertain significance (1 of 4 stars; one submission).

Submission:

GeneDx
Classification: Uncertain significance. Last evaluated: 2020-02-04. Review status: criteria provided, single submitter. Criteria: GeneDx Variant Classification Process June 2021. Collection method: clinical testing. Allele origin: germline. Affected: yes.
Comment: Has not been previously published as pathogenic or benign to our knowledge; Not observed in large population cohorts (Lek et al., 2016); In silico analysis supports that this missense variant has a deleterious effect on protein structure/function; Located in one of the three hot-spot regions of the RYR2 gene, where the majority of pathogenic missense variants occur (Medeiros-Domingo et al., 2009)

NM_001035.3(RYR2):c.481A>T (p.Thr161Ser)

Gene: RYR2 (ryanodine receptor 2; plus strand). Cytogenetic location: 1q43.
Variant type: single nucleotide variant.
Coding change: c.481A>T on transcript NM_001035.3 (MANE Select); coding-DNA position 481, A replaced by T.
Protein change: p.Thr161Ser; replaces threonine 161 with serine.
Molecular consequence: missense variant.
Genome position (GRCh38, 1-based): chr1:237,377,340, A>T. VCF-style: chr1-237377340-A-T. GRCh37 (hg19) VCF-style: chr1-237540640-A-T.
Other names: short protein forms T161S.
Identifiers: ClinVar variation 1318511 (VCV001318511.2), dbSNP rs2149792725, ClinGen allele CA345375439.